The following is an entry in ClinVar:

NM_007294.4(BRCA1):c.2551G>A (p.Glu851Lys)

Gene: BRCA1 (BRCA1 DNA repair associated; minus strand). Cytogenetic location: 17q21.31.
Variant type: single nucleotide variant.
Coding change: c.2551G>A on transcript NM_007294.4 (MANE Select); coding-DNA position 2551, G replaced by A.
Protein change: p.Glu851Lys; replaces glutamic acid 851 with lysine.
Molecular consequence: missense variant. On other transcripts: intron variant (137).
Genome position (GRCh38, 1-based): chr17:43,092,980, C>T on the plus strand (G>A on the coding strand, the complement: BRCA1 is on the minus strand). VCF-style: chr17-43092980-C-T. GRCh37 (hg19) VCF-style: chr17-41244997-C-T.
Other names: p.E851K:GAA>AAA; 2670G>A; c.2551G>A, p.Glu851Lys (NM_001407596.1, NM_001407597.1, NM_001407598.1 and 30 more transcripts); c.2548G>A, p.Glu850Lys (NM_001407610.1, NM_001407611.1, NM_001407612.1 and 22 more transcripts); c.2542G>A, p.Glu848Lys (NM_001407646.1, NM_001407647.1); c.2428G>A, p.Glu810Lys (NM_001407648.1, NM_001407664.1, NM_001407665.1 and 19 more transcripts); c.2425G>A, p.Glu809Lys (NM_001407649.1, NM_001407670.1, NM_001407671.1 and 11 more transcripts); c.2473G>A, p.Glu825Lys (NM_001407653.1, NM_001407654.1, NM_001407655.1 and 4 more transcripts); and 43 more; short protein forms E851K, E804K, E724K, E783K, E824K, E825K, E850K, E555K.
Identifiers: ClinVar variation 91593 (VCV000091593.33), dbSNP rs398122662, ClinGen allele CA001682.

ClinVar aggregate classification (germline): Conflicting classifications of pathogenicity. Review status: criteria provided, conflicting classifications (1 of 4 stars). 10 submissions from 10 submitters: Uncertain significance (6); Likely benign (2). 2 of the submissions do not count toward it. Last evaluated 2025-11-26.

Conditions:
Hereditary cancer-predisposing syndrome. Also called: Hereditary Cancer Syndrome; Hereditary neoplastic syndrome; Neoplastic Syndromes, Hereditary; Tumor predisposition. Identifiers: Orphanet 140162, MedGen C0027672, MeSH D009386, MONDO:0015356.
Breast-ovarian cancer, familial, susceptibility to, 1 (BROVCA1). Also called: BRCA1 Hereditary Breast and Ovarian Cancer; OVARIAN CANCER, SUSCEPTIBILITY TO. Identifiers: Orphanet 145, MedGen C2676676, MONDO:0011450, OMIM 604370. Disease mechanism: loss of function.
Hereditary breast ovarian cancer syndrome. Also called: BRCA1- and BRCA2-Associated Hereditary Breast and Ovarian Cancer; Hereditary breast and ovarian cancer syndrome; Hereditary breast and ovarian cancer syndrome (HBOC); Breast and ovarian cancer; Hereditary breast and/or ovarian cancer syndrome; Hereditary breast and ovarian cancer. Identifiers: Orphanet 145, MedGen C0677776, MeSH D061325, MONDO:0003582. Disease mechanism: loss of function.

Allele frequency attached by ClinVar (database versions not stated): gnomAD 0.00001; gnomAD exomes below 0.00001.
gnomAD v4.1: 2 of 1,613,196 alleles (0.00012%); highest among the groups gnomAD compares: South Asian, 0.0011%; no homozygotes.

Submissions (10):

Labcorp Genetics (formerly Invitae), Labcorp
Classification: Uncertain significance for Hereditary breast ovarian cancer syndrome. Last evaluated: 2025-11-26. Review status: criteria provided, single submitter. Criteria: Invitae Variant Classification Sherloc (09022015). Collection method: clinical testing. Allele origin: germline.
Comment: This sequence change replaces glutamic acid, which is acidic and polar, with lysine, which is basic and polar, at codon 851 of the BRCA1 protein (p.Glu851Lys). This variant is present in population databases (rs398122662, gnomAD 0.003%). This missense change has been observed in individual(s) with clinical features of BRCA1-related conditions (PMID: 21520333). ClinVar contains an entry for this variant (Variation ID: 91593). Invitae Evidence Modeling of protein sequence and biophysical properties (such as structural, functional, and spatial information, amino acid conservation, physicochemical variation, residue mobility, and thermodynamic stability) indicates that this missense variant is expected to disrupt BRCA1 protein function with a positive predictive value of 80%. In summary, the available evidence is currently insufficient to determine the role of this variant in disease. Therefore, it has been classified as a Variant of Uncertain Significance.

Ambry Genetics
Classification: Uncertain significance for Hereditary cancer-predisposing syndrome. Last evaluated: 2025-09-01. Review status: criteria provided, single submitter. Criteria: Ambry Variant Classification Scheme 2023. Collection method: clinical testing. Allele origin: germline.
Comment: The p.E851K variant (also known as c.2551G>A), located in coding exon 9 of the BRCA1 gene, results from a G to A substitution at nucleotide position 2551. The glutamic acid at codon 851 is replaced by lysine, an amino acid with similar properties. This amino acid position is highly conserved in available vertebrate species. In addition, this alteration is predicted to be deleterious by in silico analysis. Since supporting evidence is limited at this time, the clinical significance of this alteration remains unclear.

Quest Diagnostics Nichols Institute San Juan Capistrano
Classification: Uncertain significance. Last evaluated: 2025-07-01. Review status: criteria provided, single submitter. Criteria: Quest Diagnostics criteria. Collection method: clinical testing. Allele origin: unknown.
Comment: The BRCA1 c.2551G>A (p.Glu851Lys) variant has been reported in individuals undergoing genetic testing for hereditary cancer (PMID: 31853058 (2020)), and described to be located in a region of the BRCA1 gene that is tolerant to missense sequence changes (PMID: 31911673 (2020)). The frequency of this variant in the general population (Genome Aggregation Database) is uninformative in the assessment of its pathogenicity. Analysis of this variant using bioinformatics tools for the prediction of the effect of amino acid changes on protein structure and function yielded conflicting predictions that this variant is benign or damaging. Based on the available information, we are unable to determine the clinical significance of this variant.

Color Diagnostics, LLC DBA Color Health
Classification: Likely benign for Hereditary cancer-predisposing syndrome. Last evaluated: 2025-05-13. Review status: criteria provided, single submitter. Criteria: ACMG Guidelines, 2015. Collection method: clinical testing. Allele origin: germline.

All of Us Research Program, National Institutes of Health
Classification: Uncertain significance for Breast-ovarian cancer, familial, susceptibility to, 1. Last evaluated: 2023-08-08. Review status: criteria provided, single submitter. Criteria: ACMG Guidelines, 2015. Collection method: clinical testing. Allele origin: germline. Inheritance: Autosomal dominant inheritance. Observed: 1 variant allele, 1 heterozygote.
Comment: This study involves interpretation of variants in research participants for the purpose of population health screening. Participant phenotype was not available at the time of variant classification. Additional details can be found in publication PMID: 35346344, PMCID: PMC8962531

University of Washington Department of Laboratory Medicine, University of Washington
Classification: Likely benign for Hereditary cancer-predisposing syndrome. Last evaluated: 2023-03-23. Review status: criteria provided, single submitter. Criteria: Dines et al. (Genet Med. 2020). Collection method: curation. Allele origin: germline.
Comment: Missense variant in a coldspot region where missense variants are very unlikely to be pathogenic (PMID:31911673).

BRCA1 coldspot (exon 11 using historical exon numbering). Reclassification based on statistical prior probability

GeneDx
Classification: Uncertain significance. Last evaluated: 2023-03-22. Review status: criteria provided, single submitter. Criteria: GeneDx Variant Classification Process June 2021. Collection method: clinical testing. Allele origin: germline. Affected: yes.
Comment: Observed in individuals with unspecified cancer history who underwent multi-gene inherited cancer panel testing (Li et al., 2020); In silico analysis supports that this missense variant has a deleterious effect on protein structure/function; Not observed at significant frequency in large population cohorts (gnomAD); Also known as 2670G>A; This variant is associated with the following publications: (PMID: 32377563, 31853058, 15343273, 29884841)

ARUP Laboratories, Molecular Genetics and Genomics, ARUP Laboratories
Classification: Uncertain significance. Last evaluated: 2016-11-02. Review status: criteria provided, single submitter. Criteria: ARUP Molecular Germline Variant Investigation Process. Collection method: clinical testing. Allele origin: germline.

Counsyl
Classification: Uncertain significance for Breast-ovarian cancer, familial, susceptibility to, 1. Last evaluated: 2017-01-18. Review status: no assertion criteria provided. Collection method: clinical testing. Allele origin: unknown. Not counted in ClinVar's aggregate classification.

Sharing Clinical Reports Project (SCRP)
Classification: Uncertain significance for Breast-ovarian cancer, familial 1. Last evaluated: 2012-05-01. Review status: no assertion criteria provided. Collection method: clinical testing. Allele origin: germline. Not counted in ClinVar's aggregate classification.

Literature cited by the submitters: PubMed 21520333 (cited by Labcorp Genetics (formerly Invitae), Labcorp); PubMed 31853058 (cited by Quest Diagnostics Nichols Institute San Juan Capistrano); PubMed 31911673 (cited by Quest Diagnostics Nichols Institute San Juan Capistrano).